The following is an entry in ClinVar:

ClinVar aggregate classification (germline): Uncertain significance (1 of 4 stars; one submission).

gnomAD v4.1: 13 of 1,536,794 alleles (0.00085%); highest among the groups gnomAD compares: Admixed American, 0.002%; no homozygotes.

Submission:

ARUP Laboratories, Molecular Genetics and Genomics, ARUP Laboratories
Classification: Uncertain significance. Last evaluated: 2025-01-02. Review status: criteria provided, single submitter. Criteria: ARUP Molecular Germline Variant Investigation Process 2024. Collection method: clinical testing. Allele origin: germline.
Comment: The PIEZO1 c.4759C>G; p.Pro1587Ala variant (rs1234631767), to our knowledge, is not reported in the medical literature or gene specific databases. This variant is only observed on one allele in the Genome Aggregation Database (v2.1.1), indicating it is not a common polymorphism. Computational analyses predict that this variant is neutral (REVEL: 0.121). Due to limited information, the clinical significance of this variant is uncertain at this time.

NM_001142864.4(PIEZO1):c.4759C>G (p.Pro1587Ala)

Gene: PIEZO1 (piezo type mechanosensitive ion channel component 1 (Er blood group); minus strand). Cytogenetic location: 16q24.3.
Variant type: single nucleotide variant.
Coding change: c.4759C>G on transcript NM_001142864.4 (MANE Select); coding-DNA position 4759, C replaced by G.
Protein change: p.Pro1587Ala; replaces proline 1587 with alanine.
Molecular consequence: missense variant.
Genome position (GRCh38, 1-based): chr16:88,722,599, G>C on the plus strand (C>G on the coding strand, the complement: PIEZO1 is on the minus strand). VCF-style: chr16-88722599-G-C. GRCh37 (hg19) VCF-style: chr16-88789007-G-C.
Other names: short protein forms P1587A.
Identifiers: ClinVar variation 4685933 (VCV004685933.1).